The following is an entry in ClinVar:

NM_001040108.2(MLH3):c.2221G>C (p.Val741Leu)

Gene: MLH3 (mutL homolog 3; minus strand). Cytogenetic location: 14q24.3.
Variant type: single nucleotide variant.
Coding change: c.2221G>C on transcript NM_001040108.2 (MANE Select); coding-DNA position 2221, G replaced by C.
Protein change: p.Val741Leu; replaces valine 741 with leucine.
Molecular consequence: missense variant.
Genome position (GRCh38, 1-based): chr14:75,047,435, C>G on the plus strand (G>C on the coding strand, the complement: MLH3 is on the minus strand). VCF-style: chr14-75047435-C-G. GRCh37 (hg19) VCF-style: chr14-75514138-C-G.
Other names: c.2221G>C, p.Val741Leu (NM_014381.3); short protein forms V741L.
Identifiers: ClinVar variation 1787942 (VCV001787942.3), dbSNP rs28756990, ClinGen allele CA390441179.

ClinVar aggregate classification (germline): Uncertain significance (1 of 4 stars; one submission).

Submission:

Ambry Genetics
Classification: Uncertain significance. Last evaluated: 2024-05-05. Review status: criteria provided, single submitter. Criteria: Ambry Variant Classification Scheme 2023. Collection method: clinical testing. Allele origin: germline.
Comment: The p.V741L variant (also known as c.2221G>C), located in coding exon 1 of the MLH3 gene, results from a G to C substitution at nucleotide position 2221. The valine at codon 741 is replaced by leucine, an amino acid with highly similar properties. This amino acid position is conserved. In addition, this alteration is predicted to be tolerated by in silico analysis. Since supporting evidence is limited at this time, the clinical significance of this alteration remains unclear.